The following is an entry in ClinVar:

NM_001378615.1(CC2D2A):c.3183-8T>C

Genes: CC2D2A (coiled-coil and C2 domain containing 2A; plus strand), FBXL5 (F-box and leucine rich repeat protein 5; minus strand). Cytogenetic location: 4p15.32.
Variant type: single nucleotide variant.
Coding change: c.3183-8T>C on transcript NM_001378615.1 (MANE Select); 8 bases into the intron before coding-DNA position 3183, T replaced by C.
Molecular consequence: intron variant.
Genome position (GRCh38, 1-based): chr4:15,567,369, T>C. VCF-style: chr4-15567369-T-C. GRCh37 (hg19) VCF-style: chr4-15568992-T-C.
Other names: p.?; c.3183-8T>C (NM_001080522.2); c.3036-8T>C (NM_001378617.1).
Identifiers: ClinVar variation 126236 (VCV000126236.35), dbSNP rs13121363, ClinGen allele CA150865.

ClinVar aggregate classification (germline): Benign. Review status: criteria provided, multiple submitters, no conflicts (2 of 4 stars). 16 submissions from 14 submitters: Benign (12). 4 of the submissions do not count toward it. Last evaluated 2026-06-28.

Conditions:
Meckel-Gruber syndrome. Also called: DYSENCEPHALIA SPLANCHNOCYSTICA; GRUBER SYNDROME; Dysencephalia splachnocystica. Identifiers: Orphanet 564, MedGen C0265215, MONDO:0018921.
Joubert syndrome. Also called: Familial aplasia of the vermis; JOUBERT-BOLTSHAUSER SYNDROME. Identifiers: Orphanet 475, MedGen C5979921, MONDO:0018772.
Meckel syndrome, type 6. Identifiers: Orphanet 564, MedGen C2676790, MONDO:0012848, OMIM 612284.
Joubert syndrome 9 (JBTS9). Identifiers: Orphanet 2318, MedGen C2676788, MONDO:0012849, OMIM 612285.

Allele frequency attached by ClinVar (database versions not stated): 1000 Genomes Project 30x 0.66771; gnomAD 0.69031 and 0.69106; TOPMed 0.69635; ESP Exome Variant Server 0.70159; gnomAD exomes 0.70886 and 0.71209; ExAC 0.71218; 1000 Genomes Project 0.66254.
gnomAD v4.1: 1,135,689 of 1,600,468 alleles (71%); highest among the groups gnomAD compares: Admixed American, 78%; 404,297 homozygotes.

Submissions (16):

Women's Health and Genetics/Laboratory Corporation of America, LabCorp
Classification: Benign. Last evaluated: 2026-06-28. Review status: criteria provided, single submitter. Criteria: LabCorp Variant Classification Summary - May 2015. Collection method: clinical testing. Allele origin: germline.

Labcorp Genetics (formerly Invitae), Labcorp
Classification: Benign for Joubert syndrome; Meckel-Gruber syndrome. Last evaluated: 2026-02-04. Review status: criteria provided, single submitter. Criteria: Invitae Variant Classification Sherloc (09022015). Collection method: clinical testing. Allele origin: germline.

Blueprint Genetics
Classification: Benign. Last evaluated: 2024-11-27. Review status: criteria provided, single submitter. Criteria: ACMG Guidelines, 2015. Collection method: clinical testing. Allele origin: germline.

Mayo Clinic Laboratories, Mayo Clinic
Classification: Benign. Last evaluated: 2022-05-05. Review status: criteria provided, single submitter. Criteria: ACMG Guidelines, 2015. Collection method: clinical testing. Allele origin: germline. Observed: 1,010 variant alleles.

Genome-Nilou Lab
Classification: Benign for Joubert syndrome 9. Last evaluated: 2021-07-14. Review status: criteria provided, single submitter. Criteria: ACMG Guidelines, 2015. Collection method: clinical testing. Allele origin: germline. Affected: no.

Genome-Nilou Lab
Classification: Benign for Meckel syndrome, type 6. Last evaluated: 2021-07-14. Review status: criteria provided, single submitter. Criteria: ACMG Guidelines, 2015. Collection method: clinical testing. Allele origin: germline. Affected: no.

Illumina Laboratory Services, Illumina
Classification: Benign for Meckel syndrome, type 6. Last evaluated: 2018-01-12. Review status: criteria provided, single submitter. Criteria: ICSL Variant Classification Criteria 13 December 2019. Collection method: clinical testing. Allele origin: germline.
Comment: This variant was observed in the ICSL laboratory as part of a predisposition screen in an ostensibly healthy population. It had not been previously curated by ICSL or reported in the Human Gene Mutation Database (HGMD: prior to June 1st, 2018), and was therefore a candidate for classification through an automated scoring system. Utilizing variant allele frequency, disease prevalence and penetrance estimates, and inheritance mode, an automated score was calculated to assess if this variant is too frequent to cause the disease. Based on the score and internal cut-off values, a variant classified as benign is not then subjected to further curation. The score for this variant resulted in a classification of benign for this disease.

Illumina Laboratory Services, Illumina
Classification: Benign for Joubert syndrome 9. Last evaluated: 2018-01-12. Review status: criteria provided, single submitter. Criteria: ICSL Variant Classification Criteria 13 December 2019. Collection method: clinical testing. Allele origin: germline.
Comment: the same text as in the submission from Illumina Laboratory Services, Illumina above.

Athena Diagnostics
Classification: Benign. Last evaluated: 2017-07-24. Review status: criteria provided, single submitter. Criteria: Athena Diagnostics Criteria. Collection method: clinical testing. Allele origin: germline.

GeneDx
Classification: Benign. Last evaluated: 2015-03-03. Review status: criteria provided, single submitter. Criteria: GeneDx Variant Classification Process June 2021. Collection method: clinical testing. Allele origin: germline. Affected: yes.

Breakthrough Genomics
Classification: Benign. Review status: criteria provided, single submitter. Criteria: ACMG Guidelines, 2015. Collection method: not provided. Allele origin: germline. Inheritance: Autosomal recessive inheritance. Affected: yes.

PreventionGenetics, part of Exact Sciences
Classification: Benign. Review status: criteria provided, single submitter. Criteria: ACMG Guidelines, 2015. Collection method: clinical testing. Allele origin: germline.

Clinical Genetics DNA and cytogenetics Diagnostics Lab, Erasmus MC, Erasmus Medical Center
Classification: Benign. Review status: no assertion criteria provided. Collection method: clinical testing. Allele origin: germline. Affected: yes. Study: VKGL Data-share Consensus. Not counted in ClinVar's aggregate classification.

Diagnostic Laboratory, Department of Genetics, University Medical Center Groningen
Classification: Benign. Review status: no assertion criteria provided. Collection method: clinical testing. Allele origin: germline. Affected: yes. Study: VKGL Data-share Consensus. Not counted in ClinVar's aggregate classification.

Genetic Services Laboratory, University of Chicago
Classification: Likely benign for AllHighlyPenetrant. Review status: no assertion criteria provided. Collection method: clinical testing. Allele origin: germline. Inheritance: Autosomal recessive inheritance. Observed: 573 variant alleles. Not counted in ClinVar's aggregate classification.
Comment: Likely benign based on allele frequency in 1000 Genomes Project or ESP global frequency and its presence in a patient with a rare or unrelated disease phenotype. NOT Sanger confirmed.

Joint Genome Diagnostic Labs from Nijmegen and Maastricht, Radboudumc and MUMC+
Classification: Benign. Review status: no assertion criteria provided. Collection method: clinical testing. Allele origin: germline. Affected: yes. Study: VKGL Data-share Consensus. Not counted in ClinVar's aggregate classification.